The following is an entry in ClinVar:

ClinVar aggregate classification (germline): Uncertain significance (1 of 4 stars; one submission).

Conditions:
Hereditary cancer-predisposing syndrome. Also called: Neoplastic Syndromes, Hereditary; Tumor predisposition; Hereditary neoplastic syndrome; Hereditary Cancer Syndrome. Identifiers: Orphanet 140162, MedGen C0027672, MeSH D009386, MONDO:0015356.

Submission:

Ambry Genetics
Classification: Uncertain significance for Hereditary cancer-predisposing syndrome. Last evaluated: 2026-06-29. Review status: criteria provided, single submitter. Criteria: Ambry Variant Classification Scheme 2023. Collection method: clinical testing. Allele origin: germline.
Comment: The c.4485-3T>C intronic variant results from a T to C substitution 3 nucleotides upstream from coding exon 13 in the BRCA1 gene. This nucleotide position is not well conserved in available vertebrate species. In silico splice site analysis predicts that this alteration will not have any significant effect on splicing. Based on the available evidence, the clinical significance of this variant remains unclear.

NM_007294.4(BRCA1):c.4485-3T>C

Gene: BRCA1 (BRCA1 DNA repair associated; minus strand). Cytogenetic location: 17q21.31.
Variant type: single nucleotide variant.
Coding change: c.4485-3T>C on transcript NM_007294.4 (MANE Select); 3 bases into the intron before coding-DNA position 4485, T replaced by C.
Molecular consequence: intron variant.
Genome position (GRCh38, 1-based): chr17:43,074,524, A>G on the plus strand (T>C on the coding strand, the complement: BRCA1 is on the minus strand). VCF-style: chr17-43074524-A-G. GRCh37 (hg19) VCF-style: chr17-41226541-A-G.
Other names: c.838+7880T>C (NM_001408514.1); c.963-3T>C (NM_001408485.1, NM_001408491.1, NM_001408481.1 and 5 more transcripts); c.4272-3T>C (NM_001407908.1, NM_001407898.1, NM_001407894.1 and 12 more transcripts); c.4275-3T>C (NM_001407882.1, NM_001407885.1, NM_001407886.1 and 5 more transcripts); c.1047-3T>C (NM_001408447.1, NM_001408446.1, NM_001408448.1 and 2 more transcripts); c.1050-3T>C (NM_001408433.1, NM_001408441.1, NM_001408437.1 and 10 more transcripts); c.4353-3T>C (NM_001407690.1, NM_001407691.1); c.4356-3T>C (NM_001407687.1, NM_001407941.1, NM_001407683.1 and 6 more transcripts); and 71 more.
Identifiers: ClinVar variation 5033171 (VCV005033171.1).